The following is an entry in ClinVar:

NM_001365951.3(KIF1B):c.2480T>C (p.Val827Ala)

Gene: KIF1B (kinesin family member 1B; plus strand). Cytogenetic location: 1p36.22.
Variant type: single nucleotide variant.
Coding change: c.2480T>C on transcript NM_001365951.3 (MANE Select); coding-DNA position 2480, T replaced by C.
Protein change: p.Val827Ala; replaces valine 827 with alanine.
Molecular consequence: missense variant.
Genome position (GRCh38, 1-based): chr1:10,324,005, T>C. VCF-style: chr1-10324005-T-C. GRCh37 (hg19) VCF-style: chr1-10384063-T-C.
Other names: c.2480T>C, p.Val827Ala (NM_001365952.1); c.2342T>C, p.Val781Ala (NM_015074.3); short protein forms V781A, V827A.
Identifiers: ClinVar variation 1789891 (VCV001789891.3), dbSNP rs2521623075, ClinGen allele CA338334865.

ClinVar aggregate classification (germline): Uncertain significance (1 of 4 stars; one submission).

Submission:

Ambry Genetics
Classification: Uncertain significance. Last evaluated: 2022-04-19. Review status: criteria provided, single submitter. Criteria: Ambry Variant Classification Scheme 2023. Collection method: clinical testing. Allele origin: germline.
Comment: The p.V781A variant (also known as c.2342T>C), located in coding exon 22 of the KIF1B gene, results from a T to C substitution at nucleotide position 2342. The valine at codon 781 is replaced by alanine, an amino acid with similar properties. This amino acid position is conserved. In addition, the in silico prediction for this alteration is inconclusive. Since supporting evidence is limited at this time, the clinical significance of this alteration remains unclear.